The following is an entry in ClinVar:

NM_001041.4(SI):c.2429G>A (p.Arg810His)

Gene: SI (sucrase-isomaltase; minus strand). Cytogenetic location: 3q26.1.
Variant type: single nucleotide variant.
Coding change: c.2429G>A on transcript NM_001041.4 (MANE Select); coding-DNA position 2429, G replaced by A.
Protein change: p.Arg810His; replaces arginine 810 with histidine.
Molecular consequence: missense variant.
Genome position (GRCh38, 1-based): chr3:165,036,475, C>T on the plus strand (G>A on the coding strand, the complement: SI is on the minus strand). VCF-style: chr3-165036475-C-T. GRCh37 (hg19) VCF-style: chr3-164754263-C-T.
Other names: short protein forms R810H.
Identifiers: ClinVar variation 1426515 (VCV001426515.8), dbSNP rs746487509, ClinGen allele CA2690677.

ClinVar aggregate classification (germline): Uncertain significance. Review status: criteria provided, multiple submitters, no conflicts (2 of 4 stars). 3 submissions from 3 submitters: Uncertain significance (3). Last evaluated 2024-11-06.

Conditions:
Sucrase-isomaltase deficiency (CSID). Also called: Deficiency of isomaltase; SI DEFICIENCY; Congenital sucrose isomaltose malabsorption; Sucrose isomaltose enzyme deficiency. Identifiers: Orphanet 35122, MedGen C1283620, MONDO:0009114, OMIM 222900.

Allele frequency attached by ClinVar (database versions not stated): TOPMed 0.00004.
gnomAD v4.1: 50 of 1,608,016 alleles (0.0031%); highest among the groups gnomAD compares: African/African-American, 0.0054%; no homozygotes.

Submissions (3):

Blueprint Genetics
Classification: Uncertain significance. Last evaluated: 2024-11-06. Review status: criteria provided, single submitter. Criteria: ACMG Guidelines, 2015. Collection method: clinical testing. Allele origin: germline.

Fulgent Genetics
Classification: Uncertain significance for Sucrase-isomaltase deficiency. Last evaluated: 2024-01-31. Review status: criteria provided, single submitter. Criteria: ACMG Guidelines, 2015. Collection method: clinical testing. Allele origin: germline.

Labcorp Genetics (formerly Invitae), Labcorp
Classification: Uncertain significance. Last evaluated: 2022-04-10. Review status: criteria provided, single submitter. Criteria: Invitae Variant Classification Sherloc (09022015). Collection method: clinical testing. Allele origin: germline.
Comment: This sequence change replaces arginine, which is basic and polar, with histidine, which is basic and polar, at codon 810 of the SI protein (p.Arg810His). This variant is present in population databases (rs746487509, gnomAD 0.007%). This variant has not been reported in the literature in individuals affected with SI-related conditions. Algorithms developed to predict the effect of missense changes on protein structure and function are either unavailable or do not agree on the potential impact of this missense change (SIFT: "Deleterious"; PolyPhen-2: "Benign"; Align-GVGD: "Class C0"). In summary, the available evidence is currently insufficient to determine the role of this variant in disease. Therefore, it has been classified as a Variant of Uncertain Significance.